The following is an entry in ClinVar:

NM_001283009.2(RTEL1):c.2141+1G>A

Genes: RTEL1 (regulator of telomere elongation helicase 1; plus strand), RTEL1-TNFRSF6B (RTEL1-TNFRSF6B readthrough (NMD candidate); plus strand). Cytogenetic location: 20q13.33.
Variant type: single nucleotide variant.
Coding change: c.2141+1G>A on transcript NM_001283009.2 (MANE Select); the canonical splice donor site of the intron after coding-DNA position 2141, G replaced by A.
Molecular consequence: splice donor variant.
Genome position (GRCh38, 1-based): chr20:63,689,866, G>A. VCF-style: chr20-63689866-G-A. GRCh37 (hg19) VCF-style: chr20-62321219-G-A.
Other names: c.1472+1G>A (NM_001283010.1); c.2213+1G>A (NM_032957.5); c.2141+1G>A (NM_016434.4).
Identifiers: ClinVar variation 4816347 (VCV004816347.1).

ClinVar aggregate classification (germline): Likely pathogenic (1 of 4 stars; one submission).

Conditions:
Dyskeratosis congenita. Identifiers: Orphanet 1775, MedGen C0265965, MONDO:0015780.

Submission:

Natera, Inc.
Classification: Likely pathogenic for Dyskeratosis congenita. Last evaluated: 2024-11-17. Review status: criteria provided, single submitter. Criteria: Natera Variant Classification Schema (03/2026). Collection method: clinical testing. Allele origin: germline.
Comment: The c.2213+1G>A variant in RTEL1 is a canonical splice donor site variant predicted to affect pre-mRNA splicing, which may result in an abnormal transcript and altered protein product. This variant is expected to result in nonsense mediated decay, truncation, or a dysfunctional protein product. This variant is rare in the general population with a frequency below the threshold expected for the associated phenotype(s). Given the available evidence, this variant is classified as Likely Pathogenic.